The following is an entry in ClinVar:

ClinVar aggregate classification (germline): Uncertain significance (1 of 4 stars; one submission).

Submission:

Labcorp Genetics (formerly Invitae), Labcorp
Classification: Uncertain significance. Last evaluated: 2021-09-14. Review status: criteria provided, single submitter. Criteria: Invitae Variant Classification Sherloc (09022015). Collection method: clinical testing. Allele origin: germline.
Comment: This sequence change replaces methionine with leucine at codon 161 of the FSCN2 protein (p.Met161Leu). The methionine residue is moderately conserved and there is a small physicochemical difference between methionine and leucine. This variant is not present in population databases (ExAC no frequency). This variant has not been reported in the literature in individuals affected with FSCN2-related conditions. Algorithms developed to predict the effect of missense changes on protein structure and function (SIFT, PolyPhen-2, Align-GVGD) all suggest that this variant is likely to be tolerated. In summary, the available evidence is currently insufficient to determine the role of this variant in disease. Therefore, it has been classified as a Variant of Uncertain Significance.

NM_012418.4(FSCN2):c.481A>T (p.Met161Leu)

Gene: FSCN2 (fascin actin-bundling protein 2, retinal; plus strand). Cytogenetic location: 17q25.3.
Variant type: single nucleotide variant.
Coding change: c.481A>T on transcript NM_012418.4 (MANE Select); coding-DNA position 481, A replaced by T.
Protein change: p.Met161Leu; replaces methionine 161 with leucine.
Molecular consequence: missense variant.
Genome position (GRCh38, 1-based): chr17:81,529,012, A>T. VCF-style: chr17-81529012-A-T. GRCh37 (hg19) VCF-style: chr17-79496038-A-T.
Other names: c.481A>T, p.Met161Leu (NM_001077182.3); short protein forms M161L.
Identifiers: ClinVar variation 1474998 (VCV001474998.6), dbSNP rs2143849714, ClinGen allele CA401471205.